The following continues an entry in ClinVar:

NM_000051.4(ATM):c.6100C>T (p.Arg2034Ter)

ClinVar aggregate classification (germline): Pathogenic/Likely pathogenic. Pathogenic (22); Likely pathogenic (1).

Submissions 14 to 23 of 23:

GeneDx
Classification: Pathogenic. Last evaluated: 2023-04-04. Review status: criteria provided, single submitter. Criteria: GeneDx Variant Classification Process June 2021. Collection method: clinical testing. Allele origin: germline. Affected: yes.
Comment: Nonsense variant predicted to result in protein truncation or nonsense mediated decay in a gene for which loss-of-function is a known mechanism of disease; Not observed at significant frequency in large population cohorts (gnomAD); Truncating variants in this gene are considered pathogenic by a well-established clinical consortium and/or database; This variant is associated with the following publications: (PMID: 26270727, 8659541, 12552559, 11505391, 28724667, 30612635, 29922827, 35047863, 25525159, 14695186, 15390180, 10330348, 21833744, 0, 27913932, 26681312, 26845104, 29731985, 29478780, 29555771, 28767289, 30322717, 30607632, 31980526, 31948886, 35886069, 35729272, 35260754, 34308104)

MGZ Medical Genetics Center
Classification: Pathogenic for Familial cancer of breast. Last evaluated: 2022-07-13. Review status: criteria provided, single submitter. Criteria: ACMG Guidelines, 2015. Collection method: clinical testing. Allele origin: germline. Affected: yes. Observed: 2 variant alleles.
Comment: ACMG criteria applied: PVS1, PM3, PM2_SUP

3billion
Classification: Pathogenic for Ataxia-telangiectasia syndrome. Last evaluated: 2022-05-22. Review status: criteria provided, single submitter. Criteria: ACMG Guidelines, 2015. Collection method: clinical testing. Allele origin: germline. Affected: yes. Observed: 1 heterozygote.
Comment: This variant has been reported as pathogenic more than twice (ClinVar ID: VCV000127417, PMID:8659541), along with assertion criteria based on the ACMG guidelines. It has been reported with an extremely low frequency in the gnomAD v2.1.1 dataset. The substitution creates a nonsense variant, which is expected to cause a loss of normal protein function via nonsense-mediated mRNA decay. Therefore, this variant is classified as pathogenic according to the recommendation of ACMG/AMP guideline.

Institute for Clinical Genetics, University Hospital TU Dresden, University Hospital TU Dresden
Classification: Pathogenic. Last evaluated: 2021-11-03. Review status: criteria provided, single submitter. Criteria: ACMG Guidelines, 2015. Collection method: clinical testing. Allele origin: germline.

Institute of Medical Genetics and Applied Genomics, University Hospital Tübingen
Classification: Pathogenic. Last evaluated: 2020-10-23. Review status: criteria provided, single submitter. Criteria: ACMG Guidelines, 2015. Collection method: clinical testing. Allele origin: germline. Inheritance: Unknown mechanism. Affected: yes.

Women's Health and Genetics/Laboratory Corporation of America, LabCorp
Classification: Pathogenic for Ataxia-telangiectasia syndrome. Last evaluated: 2020-10-19. Review status: criteria provided, single submitter. Criteria: LabCorp Variant Classification Summary - May 2015. Collection method: clinical testing. Allele origin: germline.
Comment: Variant summary: ATM c.6100C>T (p.Arg2034X) results in a premature termination codon, predicted to cause a truncation of the encoded protein or absence of the protein due to nonsense mediated decay, which are commonly known mechanisms for disease. The variant allele was found at a frequency of 4e-06 in 251344 control chromosomes (gnomAD). c.6100C>T has been reported in the literature in multiple homozygous and compound heterozygous individuals affected with Ataxia-Telangiectasia (e.g. Telatar_1996, Buzin_2003, Soukupova_2011, An_2016) and was also reported in heterozygous state in patients affected by various tumor phenotypes (e.g. Shindo_2017, Yang_2019). These data indicate that the variant is very likely to be associated with disease. To our knowledge, no experimental evidence demonstrating an impact on protein function has been reported. Six clinical diagnostic laboratories have submitted clinical-significance assessments for this variant to ClinVar after 2014 without evidence for independent evaluation. All laboratories classified the variant as pathogenic/likely pathogenic. Based on the evidence outlined above, the variant was classified as pathogenic.

Revvity Omics, Revvity
Classification: Pathogenic for Ataxia-telangiectasia syndrome. Last evaluated: 2019-04-17. Review status: criteria provided, single submitter. Criteria: ACMG Guidelines, 2015. Collection method: clinical testing. Allele origin: germline.

Baylor Genetics
Classification: Pathogenic for Ataxia-telangiectasia syndrome. Last evaluated: 2017-09-01. Review status: criteria provided, single submitter. Criteria: ACMG Guidelines, 2015. Collection method: clinical testing. Allele origin: maternal. Inheritance: Autosomal recessive inheritance. Affected: yes.

University of Washington Department of Laboratory Medicine, University of Washington
Classification: Likely pathogenic for Hereditary cancer-predisposing syndrome. Last evaluated: 2015-11-20. Review status: criteria provided, single submitter. Criteria: Shirts et al. (Genet Med 2016). Collection method: clinical testing. Allele origin: germline. Affected: yes. Observed: 2 variant alleles.

Juno Genomics, Hangzhou Juno Genomics, Inc
Classification: Pathogenic for Familial cancer of breast; Ataxia-telangiectasia syndrome. Review status: criteria provided, single submitter. Criteria: ACMG Guidelines, 2015. Collection method: clinical testing. Allele origin: germline.
Comment: Null variant in a gene where loss of function (LOF) is a known mechanism of disease.;Absent from controls (or at extremely low frequency if recessive) in Genome Aggregation Database.;The prevalence of the variant in affected individuals is significantly increased compared to the prevalence in controls.

Literature cited by the submitters: PubMed 23807571 (cited by Labcorp Genetics (formerly Invitae), Labcorp); PubMed 25614872 (cited by Labcorp Genetics (formerly Invitae), Labcorp); PubMed 8659541 (cited by 7 submitters); PubMed 11505391 (cited by 3 submitters); PubMed 21833744 (cited by 7 submitters); PubMed 26681312 (cited by 4 submitters); PubMed 26845104 (cited by Labcorp Genetics (formerly Invitae), Labcorp and Athena Diagnostics); PubMed 10330348 (cited by Ambry Genetics and Athena Diagnostics); PubMed 29478780 (cited by 3 submitters); PubMed 29555771 (cited by Ambry Genetics and Athena Diagnostics); PubMed 29922827 (cited by Center for Genomic Medicine, Rigshospitalet, Copenhagen University Hospital); PubMed 14695186 (cited by Color Diagnostics, LLC DBA Color Health and Athena Diagnostics); PubMed 19781682 (cited by Color Diagnostics, LLC DBA Color Health); PubMed 25122203 (cited by Color Diagnostics, LLC DBA Color Health); PubMed 28767289 (cited by 3 submitters); PubMed 30607632 (cited by 3 submitters); PubMed 32963463 (cited by Color Diagnostics, LLC DBA Color Health and Athena Diagnostics); PubMed 34954471 (cited by Color Diagnostics, LLC DBA Color Health); PubMed 27913932 (cited by Athena Diagnostics); PubMed 12552559 (cited by Athena Diagnostics and Women's Health and Genetics/Laboratory Corporation of America, LabCorp); PubMed 25326635 (cited by Baylor Genetics).